The following is an entry in ClinVar:

NM_020988.3(GNAO1):c.813G>T (p.Lys271Asn)

Gene: GNAO1 (G protein subunit alpha o1; plus strand). Cytogenetic location: 16q13.
Variant type: single nucleotide variant.
Coding change: c.813G>T on transcript NM_020988.3 (MANE Select); coding-DNA position 813, G replaced by T.
Protein change: p.Lys271Asn; replaces lysine 271 with asparagine.
Molecular consequence: missense variant.
Genome position (GRCh38, 1-based): chr16:56,351,473, G>T. VCF-style: chr16-56351473-G-T. GRCh37 (hg19) VCF-style: chr16-56385385-G-T.
Other names: short protein forms K271N.
Identifiers: ClinVar variation 1432250 (VCV001432250.9), dbSNP rs758779535, ClinGen allele CA395954789.
Genomic context (GRCh38, chr16:56,351,473, plus strand): 5'-CGACTCCATCTGTAACAACAAGTTCTTCATCGATACCTCCATCATTCTCTTCCTCAACAA[G>T]AAAGATCTCTTTGGCGAGAAGATCAAGAAGTCACCTTTGACCATCTGCTTTCCTGAATAC-3'
Protein context (NP_066268.1, residues 261-281): IDTSIILFLN[Lys271Asn]KDLFGEKIKK

ClinVar aggregate classification (germline): Pathogenic (1 of 4 stars; one submission).

Conditions:
Early-infantile DEE. Also called: Ohtahara syndrome; Early infantile epileptic encephalopathy with suppression bursts; Early infantile epileptic encephalopathy. Identifiers: Orphanet 1934, MedGen C0393706, MONDO:0800491.

Submission:

Labcorp Genetics (formerly Invitae), Labcorp
Classification: Pathogenic for Early-infantile DEE. Last evaluated: 2021-04-08. Review status: criteria provided, single submitter. Criteria: Invitae Variant Classification Sherloc (09022015). Collection method: clinical testing. Allele origin: germline.
Comment: For these reasons, this variant has been classified as Pathogenic. Advanced modeling of protein sequence and biophysical properties (such as structural, functional, and spatial information, amino acid conservation, physicochemical variation, residue mobility, and thermodynamic stability) performed at Invitae indicates that this missense variant is expected to disrupt GNAO1 protein function. This missense change has been observed in individual(s) with clinical features of developmental and epileptic encephalopathy (Invitae). In at least one individual the variant was observed to be de novo. This variant is not present in population databases (ExAC no frequency). This sequence change replaces lysine with asparagine at codon 271 of the GNAO1 protein (p.Lys271Asn). The lysine residue is highly conserved and there is a moderate physicochemical difference between lysine and asparagine.